The following is an entry in ClinVar:

ClinVar aggregate classification (germline): Uncertain significance (1 of 4 stars; one submission).

Conditions:
Familial focal epilepsy with variable foci (FPEVF). Identifiers: Orphanet 98820, MedGen C1858477, MONDO:0020310.

gnomAD v4.1: 11 of 1,614,164 alleles (0.00068%); highest among the groups gnomAD compares: Non-Finnish European, 0.00085%; no homozygotes.

Submission:

Labcorp Genetics (formerly Invitae), Labcorp
Classification: Uncertain significance for Familial focal epilepsy with variable foci. Last evaluated: 2022-05-23. Review status: criteria provided, single submitter. Criteria: Invitae Variant Classification Sherloc (09022015). Collection method: clinical testing. Allele origin: germline.
Comment: In summary, the available evidence is currently insufficient to determine the role of this variant in disease. Therefore, it has been classified as a Variant of Uncertain Significance. Algorithms developed to predict the effect of missense changes on protein structure and function are either unavailable or do not agree on the potential impact of this missense change (SIFT: "Deleterious"; PolyPhen-2: "Not Available"; Align-GVGD: "Class C65"). This variant has not been reported in the literature in individuals affected with DEPDC5-related conditions. This variant is not present in population databases (gnomAD no frequency). This sequence change replaces arginine, which is basic and polar, with serine, which is neutral and polar, at codon 1436 of the DEPDC5 protein (p.Arg1436Ser).

NM_001242896.3(DEPDC5):c.4306C>A (p.Arg1436Ser)

Gene: DEPDC5 (DEP domain containing 5, GATOR1 subcomplex subunit; plus strand). Cytogenetic location: 22q12.3.
Variant type: single nucleotide variant.
Coding change: c.4306C>A on transcript NM_001242896.3 (MANE Select); coding-DNA position 4306, C replaced by A.
Protein change: p.Arg1436Ser; replaces arginine 1436 with serine.
Molecular consequence: missense variant. On other transcripts: non-coding transcript variant (5).
Genome position (GRCh38, 1-based): chr22:31,897,584, C>A. VCF-style: chr22-31897584-C-A. GRCh37 (hg19) VCF-style: chr22-32293570-C-A.
Other names: c.4279C>A, p.Arg1427Ser (NM_001136029.4); c.4006C>A, p.Arg1336Ser (NM_001242897.2); c.4240C>A, p.Arg1414Ser (NM_001363852.2, NM_001364320.2); c.4072C>A, p.Arg1358Ser (NM_001363854.2, NM_001364319.2); c.4306C>A, p.Arg1436Ser (NM_001364318.2); c.4222C>A, p.Arg1408Ser (NM_001369901.1, NM_001369902.1); c.4213C>A, p.Arg1405Ser (NM_001369903.1, NM_014662.6); short protein forms R1405S, R1427S, R1436S, R1336S, R1414S, R1358S, R1408S.
Identifiers: ClinVar variation 2089160 (VCV002089160.4), dbSNP rs778323702, ClinGen allele CA411288545.
Genomic context (GRCh38, chr22:31,897,584, plus strand): 5'-TTAGTCCCAGTTTTGGAGGGGCCTTTTGCACTGCCCAGTTACCTGTATGGCGACCCCCTT[C>A]GTGCCCAGCTCTTCATCCCACTCAACATCAGCTGCTTGCTCAAGGAGGGCAGCGAGCACC-3'
Protein context (NP_001229825.1, residues 1426-1446): LPSYLYGDPL[Arg1436Ser]AQLFIPLNIS